The following is an entry in ClinVar:

NM_005633.4(SOS1):c.482A>G (p.Asp161Gly)

Gene: SOS1 (SOS Ras/Rac guanine nucleotide exchange factor 1; minus strand). Cytogenetic location: 2p22.1.
Variant type: single nucleotide variant.
Coding change: c.482A>G on transcript NM_005633.4 (MANE Select); coding-DNA position 482, A replaced by G.
Protein change: p.Asp161Gly; replaces aspartic acid 161 with glycine.
Molecular consequence: missense variant.
Genome position (GRCh38, 1-based): chr2:39,056,730, T>C on the plus strand (A>G on the coding strand, the complement: SOS1 is on the minus strand). VCF-style: chr2-39056730-T-C. GRCh37 (hg19) VCF-style: chr2-39283871-T-C.
Other names: c.461A>G, p.Asp154Gly (NM_001382394.1); c.482A>G, p.Asp161Gly (NM_001382395.1); short protein forms D154G, D161G.
Identifiers: ClinVar variation 2848362 (VCV002848362.3), dbSNP rs2465354750, ClinGen allele CA346373450.

ClinVar aggregate classification (germline): Uncertain significance (1 of 4 stars; one submission).

Conditions:
RASopathy. Also called: Noonan spectrum disorder; rasopathies. Identifiers: Orphanet 536391, MedGen C5555857, MONDO:0021060.

Submission:

Labcorp Genetics (formerly Invitae), Labcorp
Classification: Uncertain significance for RASopathy. Last evaluated: 2023-10-03. Review status: criteria provided, single submitter. Criteria: Invitae Variant Classification Sherloc (09022015). Collection method: clinical testing. Allele origin: germline.
Comment: This sequence change replaces aspartic acid, which is acidic and polar, with glycine, which is neutral and non-polar, at codon 161 of the SOS1 protein (p.Asp161Gly). This variant is not present in population databases (gnomAD no frequency). This variant has not been reported in the literature in individuals affected with SOS1-related conditions. Advanced modeling of protein sequence and biophysical properties (such as structural, functional, and spatial information, amino acid conservation, physicochemical variation, residue mobility, and thermodynamic stability) performed at Invitae indicates that this missense variant is expected to disrupt SOS1 protein function. In summary, the available evidence is currently insufficient to determine the role of this variant in disease. Therefore, it has been classified as a Variant of Uncertain Significance.